The following is an entry in ClinVar:

NM_001267550.2(TTN):c.40773A>G (p.Pro13591=)

Gene: TTN (titin; minus strand). Cytogenetic location: 2q31.2.
Variant type: single nucleotide variant.
Coding change: c.40773A>G on transcript NM_001267550.2 (MANE Select); coding-DNA position 40773, A replaced by G.
Protein change: p.Pro13591=; no amino-acid change (proline 13591 retained).
Molecular consequence: synonymous variant.
Genome position (GRCh38, 1-based): chr2:178,640,061, T>C on the plus strand (A>G on the coding strand, the complement: TTN is on the minus strand). VCF-style: chr2-178640061-T-C. GRCh37 (hg19) VCF-style: chr2-179504788-T-C.
Other names: c.35850A>G, p.Pro11950= (NM_001256850.1); c.13578A>G, p.Pro4526= (NM_003319.4); c.33069A>G, p.Pro11023= (NM_133378.4); c.13953A>G, p.Pro4651= (NM_133432.3); c.14154A>G, p.Pro4718= (NM_133437.4).
Identifiers: ClinVar variation 413159 (VCV000413159.15), dbSNP rs368521608, ClinGen allele CA1996390.

ClinVar aggregate classification (germline): Benign/Likely benign. Review status: criteria provided, multiple submitters, no conflicts (2 of 4 stars). 5 submissions from 5 submitters: Benign (1); Likely benign (4). Last evaluated 2026-03-27.

Conditions:
TTN-related disorder. Also called: TTN-related disorders; TTN-related condition; TTN-related disease.
Cardiovascular phenotype. Identifiers: MedGen CN230736.
Autosomal recessive limb-girdle muscular dystrophy type 2J (LGMDR10). Also called: Limb-girdle muscular dystrophy, type 2J; MUSCULAR DYSTROPHY, LIMB-GIRDLE, AUTOSOMAL RECESSIVE 10. Identifiers: Orphanet 140922, MedGen C1837342, MONDO:0012127, OMIM 608807.
Dilated cardiomyopathy 1G (CMD1G). Identifiers: Orphanet 154, MedGen C1858763, MONDO:0011400, OMIM 604145.

Allele frequency attached by ClinVar (database versions not stated): ExAC 0.00002; gnomAD exomes 0.00002; gnomAD 0.00003; TOPMed 0.00006; ESP Exome Variant Server 0.00008.
gnomAD v4.1: 13 of 1,612,144 alleles (0.00081%); highest among the groups gnomAD compares: African/African-American, 0.015%; no homozygotes.

Submissions (5):

Molecular Diagnostic Laboratory for Inherited Cardiovascular Disease, Montreal Heart Institute
Classification: Benign. Last evaluated: 2026-03-27. Review status: criteria provided, single submitter. Criteria: ACMG Guidelines, 2015. Collection method: clinical testing. Allele origin: germline. Affected: no.

Labcorp Genetics (formerly Invitae), Labcorp
Classification: Likely benign for Dilated cardiomyopathy 1G; Autosomal recessive limb-girdle muscular dystrophy type 2J. Last evaluated: 2026-01-08. Review status: criteria provided, single submitter. Criteria: Invitae Variant Classification Sherloc (09022015). Collection method: clinical testing. Allele origin: germline.

PreventionGenetics, part of Exact Sciences
Classification: Likely benign for TTN-related condition. Last evaluated: 2025-04-28. Review status: criteria provided, single submitter. Criteria: ACMG Guidelines, 2015. Collection method: clinical testing. Allele origin: germline.
Comment: This variant is classified as likely benign based on ACMG/AMP sequence variant interpretation guidelines (Richards et al. 2015 PMID: 25741868, with internal and published modifications).

Ambry Genetics
Classification: Likely benign for Cardiovascular phenotype. Last evaluated: 2020-01-16. Review status: criteria provided, single submitter. Criteria: Ambry Variant Classification Scheme 2023. Collection method: clinical testing. Allele origin: germline.

GeneDx
Classification: Likely benign. Last evaluated: 2017-09-14. Review status: criteria provided, single submitter. Criteria: GeneDx Variant Classification (06012015). Collection method: clinical testing. Allele origin: germline. Affected: yes.
Comment: This variant is considered likely benign or benign based on one or more of the following criteria: it is a conservative change, it occurs at a poorly conserved position in the protein, it is predicted to be benign by multiple in silico algorithms, and/or has population frequency not consistent with disease.